The following is an entry in ClinVar:

NM_001105244.2(PTPRM):c.75T>C (p.Gly25=)

Gene: PTPRM (protein tyrosine phosphatase receptor type M; plus strand). Cytogenetic location: 18p11.23.
Variant type: single nucleotide variant.
Coding change: c.75T>C on transcript NM_001105244.2 (MANE Select); coding-DNA position 75, T replaced by C.
Protein change: p.Gly25=; no amino-acid change (glycine 25 retained).
Molecular consequence: synonymous variant.
Genome position (GRCh38, 1-based): chr18:7,774,150, T>C. VCF-style: chr18-7774150-T-C. GRCh37 (hg19) VCF-style: chr18-7774148-T-C.
Other names: c.75T>C, p.Gly25= (NM_002845.4).
Identifiers: ClinVar variation 3046402 (VCV003046402.2), dbSNP rs752156618, ClinGen allele CA8883768.

ClinVar aggregate classification (germline): Likely benign (0 of 4 stars; one submission).

Conditions:
PTPRM-related disorder. Also called: PTPRM-related condition.

Allele frequency attached by ClinVar (database versions not stated): gnomAD exomes 0.00001; ExAC 0.00002.
gnomAD v4.1: 11 of 1,606,728 alleles (0.00068%); highest among the groups gnomAD compares: Middle Eastern, 0.033%; no homozygotes.

Submission:

PreventionGenetics, part of Exact Sciences
Classification: Likely benign for PTPRM-related condition. Last evaluated: 2019-02-20. Review status: no assertion criteria provided. Collection method: clinical testing. Allele origin: germline.
Comment: This variant is classified as likely benign based on ACMG/AMP sequence variant interpretation guidelines (Richards et al. 2015 PMID: 25741868, with internal and published modifications).